The following is an entry in ClinVar:

NM_005138.3(SCO2):c.754G>A (p.Asp252Asn)

Genes: NCAPH2 (non-SMC condensin II complex subunit H2; plus strand), SCO2 (synthesis of cytochrome C oxidase 2; minus strand). Cytogenetic location: 22q13.33.
Variant type: single nucleotide variant.
Coding change: c.754G>A on transcript NM_005138.3 (MANE Select); coding-DNA position 754, G replaced by A.
Protein change: p.Asp252Asn; replaces aspartic acid 252 with asparagine.
Molecular consequence: missense variant. On other transcripts: 3 prime UTR variant (2).
Genome position (GRCh38, 1-based): chr22:50,523,658, C>T on the plus strand (G>A on the coding strand, the complement: SCO2 is on the minus strand). VCF-style: chr22-50523658-C-T. GRCh37 (hg19) VCF-style: chr22-50962087-C-T.
Other names: c.754G>A, p.Asp252Asn (NM_001169111.2, NM_001169110.1, NM_001169109.2); c.*283C>T (NM_001185011.2, NM_152299.4); short protein forms D252N.
Identifiers: ClinVar variation 3676395 (VCV003676395.2).

ClinVar aggregate classification (germline): Uncertain significance (1 of 4 stars; one submission).

gnomAD v4.1: 1 of 1,613,908 alleles (0.000062%); highest among the groups gnomAD compares: African/African-American, 0.0013%; no homozygotes.

Submission:

Labcorp Genetics (formerly Invitae), Labcorp
Classification: Uncertain significance. Last evaluated: 2024-02-25. Review status: criteria provided, single submitter. Criteria: Invitae Variant Classification Sherloc (09022015). Collection method: clinical testing. Allele origin: germline.
Comment: This sequence change replaces aspartic acid, which is acidic and polar, with asparagine, which is neutral and polar, at codon 252 of the SCO2 protein (p.Asp252Asn). This variant is not present in population databases (gnomAD no frequency). This variant has not been reported in the literature in individuals affected with SCO2-related conditions. Advanced modeling of protein sequence and biophysical properties (such as structural, functional, and spatial information, amino acid conservation, physicochemical variation, residue mobility, and thermodynamic stability) performed at Invitae indicates that this missense variant is not expected to disrupt SCO2 protein function with a negative predictive value of 80%. In summary, the available evidence is currently insufficient to determine the role of this variant in disease. Therefore, it has been classified as a Variant of Uncertain Significance.